The following is an entry in ClinVar:

ClinVar aggregate classification (germline): Conflicting classifications of pathogenicity. Review status: criteria provided, conflicting classifications (1 of 4 stars). 3 submissions from 3 submitters: Uncertain significance (1); Likely benign (2). Last evaluated 2026-07-01.

Conditions:
Mitochondrial complex I deficiency, nuclear type 1. Also called: NADH-COENZYME Q REDUCTASE DEFICIENCY; MITOCHONDRIAL NADH DEHYDROGENASE COMPONENT OF COMPLEX I, DEFICIENCY OF. Identifiers: MedGen C6022305, MONDO:0100224, OMIM 252010.

Allele frequency attached by ClinVar (database versions not stated): TOPMed 0.00004; 1000 Genomes Project 30x 0.00016.
gnomAD v4.1: 32 of 1,601,434 alleles (0.002%); highest among the groups gnomAD compares: Non-Finnish European, 0.0027%; no homozygotes.

Submissions (3):

CeGaT Center for Human Genetics Tuebingen
Classification: Likely benign. Last evaluated: 2026-07-01. Review status: criteria provided, single submitter. Criteria: CeGaT Center For Human Genetics Tuebingen Variant Classification Criteria Version 2. Collection method: clinical testing. Allele origin: germline. Affected: yes. Observed: 1 variant allele.
Comment: NUBPL: BP4, BP7

Blueprint Genetics
Classification: Likely benign. Last evaluated: 2023-05-05. Review status: criteria provided, single submitter. Criteria: ACMG Guidelines, 2015. Collection method: clinical testing. Allele origin: germline.

Illumina Laboratory Services, Illumina
Classification: Uncertain significance for Mitochondrial complex I deficiency, nuclear type 1. Last evaluated: 2018-01-12. Review status: criteria provided, single submitter. Criteria: ICSL Variant Classification Criteria 13 December 2019. Collection method: clinical testing. Allele origin: germline.

NM_025152.3(NUBPL):c.603A>C (p.Ile201=)

Gene: NUBPL (NUBP iron-sulfur cluster assembly factor, mitochondrial; plus strand). Cytogenetic location: 14q12.
Variant type: single nucleotide variant.
Coding change: c.603A>C on transcript NM_025152.3 (MANE Select); coding-DNA position 603, A replaced by C.
Protein change: p.Ile201=; no amino-acid change (isoleucine 201 retained).
Molecular consequence: synonymous variant.
Genome position (GRCh38, 1-based): chr14:31,787,869, A>C. VCF-style: chr14-31787869-A-C. GRCh37 (hg19) VCF-style: chr14-32257075-A-C.
Other names: c.315A>C, p.Ile105= (NM_001201573.2); c.54A>C, p.Ile18= (NM_001201574.2).
Identifiers: ClinVar variation 313028 (VCV000313028.7), dbSNP rs543089711, ClinGen allele CA7147907.